The following is an entry in ClinVar:

NM_000257.4(MYH7):c.5252C>A (p.Ala1751Asp)

Genes: MYH7 (myosin heavy chain 7; minus strand), LOC126861897 (BRD4-independent group 4 enhancer GRCh37_chr14:23884455-23885654; plus strand). Cytogenetic location: 14q11.2.
Variant type: single nucleotide variant.
Coding change: c.5252C>A on transcript NM_000257.4 (MANE Select); coding-DNA position 5252, C replaced by A.
Protein change: p.Ala1751Asp; replaces alanine 1751 with aspartic acid.
Molecular consequence: missense variant.
Genome position (GRCh38, 1-based): chr14:23,415,412, G>T on the plus strand (C>A on the coding strand, the complement: MYH7 is on the minus strand). VCF-style: chr14-23415412-G-T. GRCh37 (hg19) VCF-style: chr14-23884621-G-T.
Other names: c.5252C>A, p.Ala1751Asp (NM_001407004.1); short protein forms A1751D.
Identifiers: ClinVar variation 3017077 (VCV003017077.3), dbSNP rs893202710, ClinGen allele CA257809423.

ClinVar aggregate classification (germline): Uncertain significance (1 of 4 stars; one submission).

Conditions:
Hypertrophic cardiomyopathy. Also called: HYPERTROPHIC MYOCARDIOPATHY. Identifiers: Orphanet 217569, MedGen C0007194, MeSH D002312, MONDO:0005045, HP:0001639.

Submission:

Labcorp Genetics (formerly Invitae), Labcorp
Classification: Uncertain significance for Hypertrophic cardiomyopathy. Last evaluated: 2023-06-04. Review status: criteria provided, single submitter. Criteria: Invitae Variant Classification Sherloc (09022015). Collection method: clinical testing. Allele origin: germline.
Comment: This variant has not been reported in the literature in individuals affected with MYH7-related conditions. This variant is not present in population databases (gnomAD no frequency). This sequence change replaces alanine, which is neutral and non-polar, with aspartic acid, which is acidic and polar, at codon 1751 of the MYH7 protein (p.Ala1751Asp). In summary, the available evidence is currently insufficient to determine the role of this variant in disease. Therefore, it has been classified as a Variant of Uncertain Significance. Advanced modeling of protein sequence and biophysical properties (such as structural, functional, and spatial information, amino acid conservation, physicochemical variation, residue mobility, and thermodynamic stability) performed at Invitae indicates that this missense variant is expected to disrupt MYH7 protein function.